The following is an entry in ClinVar:

NM_001372051.1(CASP8):c.455T>G (p.Leu152Arg)

Gene: CASP8 (caspase 8; plus strand). Cytogenetic location: 2q33.1.
Variant type: single nucleotide variant.
Coding change: c.455T>G on transcript NM_001372051.1 (MANE Select); coding-DNA position 455, T replaced by G.
Protein change: p.Leu152Arg; replaces leucine 152 with arginine.
Molecular consequence: missense variant. On other transcripts: non-coding transcript variant (22), 5 prime UTR variant (11).
Genome position (GRCh38, 1-based): chr2:201,272,681, T>G. VCF-style: chr2-201272681-T-G. GRCh37 (hg19) VCF-style: chr2-202137404-T-G.
Other names: c.455T>G, p.Leu152Arg (NM_001080124.2, NM_001400645.1, NM_001400648.1 and 20 more transcripts); c.632T>G, p.Leu211Arg (NM_001080125.2, NM_001400642.1, NM_001400665.1); c.551T>G, p.Leu184Arg (NM_001228.5); c.146T>G, p.Leu49Arg (NM_001400669.1); c.-78T>G (NM_001400671.1, NM_001400672.1, NM_001400673.1 and 6 more transcripts); c.-259T>G (NM_001400674.1); c.-157T>G (NM_001400680.1); short protein forms L152R, L49R, L184R, L211R.
Identifiers: ClinVar variation 2130921 (VCV002130921.4), dbSNP rs2470083106, ClinGen allele CA350288829.

ClinVar aggregate classification (germline): Uncertain significance (1 of 4 stars; one submission).

Conditions:
Autoimmune lymphoproliferative syndrome type 2B. Also called: AUTOIMMUNE LYMPHOPROLIFERATIVE SYNDROME, TYPE IIB. Identifiers: Orphanet 275517, MedGen C1846545, MONDO:0011804, OMIM 607271.

Submission:

Labcorp Genetics (formerly Invitae), Labcorp
Classification: Uncertain significance for Autoimmune lymphoproliferative syndrome type 2B. Last evaluated: 2022-04-26. Review status: criteria provided, single submitter. Criteria: Invitae Variant Classification Sherloc (09022015). Collection method: clinical testing. Allele origin: germline.
Comment: In summary, the available evidence is currently insufficient to determine the role of this variant in disease. Therefore, it has been classified as a Variant of Uncertain Significance. Algorithms developed to predict the effect of missense changes on protein structure and function are either unavailable or do not agree on the potential impact of this missense change (SIFT: "Deleterious"; PolyPhen-2: "Probably Damaging"; Align-GVGD: "Class C0"). This variant has not been reported in the literature in individuals affected with CASP8-related conditions. This variant is not present in population databases (gnomAD no frequency). This sequence change replaces leucine, which is neutral and non-polar, with arginine, which is basic and polar, at codon 184 of the CASP8 protein (p.Leu184Arg).